The following is an entry in ClinVar:

NM_006343.3(MERTK):c.2305A>G (p.Ile769Val)

Gene: MERTK (MER proto-oncogene, tyrosine kinase; plus strand). Cytogenetic location: 2q13.
Variant type: single nucleotide variant.
Coding change: c.2305A>G on transcript NM_006343.3 (MANE Select); coding-DNA position 2305, A replaced by G.
Protein change: p.Ile769Val; replaces isoleucine 769 with valine.
Molecular consequence: missense variant.
Genome position (GRCh38, 1-based): chr2:112,021,537, A>G. VCF-style: chr2-112021537-A-G. GRCh37 (hg19) VCF-style: chr2-112779114-A-G.
Other names: short protein forms I769V.
Identifiers: ClinVar variation 636220 (VCV000636220.15), dbSNP rs147899488, ClinGen allele CA1831793.

ClinVar aggregate classification (germline): Conflicting classifications of pathogenicity. Review status: criteria provided, conflicting classifications (1 of 4 stars). 7 submissions from 7 submitters: Uncertain significance (5); Likely benign (1). 1 of the submissions does not count toward it. Last evaluated 2026-06-29.

Conditions:
MERTK-related disorder. Also called: MERTK-related condition.
Retinal dystrophy. Also called: Inherited retinal dystrophy. Identifiers: Orphanet 71862, MedGen C0854723, MeSH D058499, MONDO:0019118, HP:0000556.
Retinitis pigmentosa 38 (RP38). Also called: ROD-CONE DYSTROPHY, CHILDHOOD-ONSET. Identifiers: Orphanet 791, MedGen C3151228, MONDO:0013469, OMIM 613862.

Allele frequency attached by ClinVar (database versions not stated): ESP Exome Variant Server 0.00015; gnomAD exomes 0.00023 and 0.00034; gnomAD 0.00024 and 0.00045; ExAC 0.00029; TOPMed 0.00065.
gnomAD v4.1: 400 of 1,599,056 alleles (0.025%); highest among the groups gnomAD compares: Middle Eastern, 0.37%; no homozygotes.

Submissions (7):

PreventionGenetics, part of Exact Sciences
Classification: Uncertain significance for MERTK-related condition. Last evaluated: 2026-06-29. Review status: criteria provided, single submitter. Criteria: ACMG Guidelines, 2015. Collection method: clinical testing. Allele origin: germline.
Comment: The MERTK c.2305A>G variant is predicted to result in the amino acid substitution p.Ile769Val. This variant has been reported in the homozygous state in an individual with retinal dystrophy; however, that patient carried another homozygous variant in the same gene (Jespersgaard et al. 2019. PubMed ID: 30718709). This variant was also described, along with a second potentially causative variant, in an individual with retinal disease (supplementary data, Panneman et al. 2023. PubMed ID: 36819107). However, this variant is reported in 0.14% of alleles in individuals of Ashkenazi Jewish descent in gnomAD, which may be too frequent to be a primary cause of disease. Although we suspect this variant may be benign, the clinical significance of this variant is uncertain due to the absence of conclusive functional and genetic evidence.

Labcorp Genetics (formerly Invitae), Labcorp
Classification: Likely benign. Last evaluated: 2025-12-23. Review status: criteria provided, single submitter. Criteria: Invitae Variant Classification Sherloc (09022015). Collection method: clinical testing. Allele origin: germline.

Blueprint Genetics
Classification: Uncertain significance. Last evaluated: 2024-11-26. Review status: criteria provided, single submitter. Criteria: ACMG Guidelines, 2015. Collection method: clinical testing. Allele origin: germline.

Institute of Human Genetics, Univ. Regensburg, Univ. Regensburg
Classification: Uncertain significance for Retinal dystrophy. Last evaluated: 2023-01-01. Review status: criteria provided, single submitter. Criteria: ACMG Guidelines, 2015. Collection method: clinical testing. Allele origin: germline. Affected: yes.

Department of Pathology and Laboratory Medicine, Sinai Health System
Classification: Uncertain significance for Retinitis pigmentosa 38. Last evaluated: 2022-12-22. Review status: criteria provided, single submitter. Criteria: ACMG Guidelines, 2015. Collection method: research. Allele origin: germline.

Breakthrough Genomics
Classification: Uncertain significance. Review status: criteria provided, single submitter. Criteria: ACMG Guidelines, 2015. Collection method: not provided. Allele origin: germline. Inheritance: Autosomal recessive inheritance. Affected: yes.

Department of Clinical Genetics, Copenhagen University Hospital, Rigshospitalet
Classification: Uncertain significance for Retinal dystrophy. Last evaluated: 2018-04-01. Review status: no assertion criteria provided. Collection method: research. Allele origin: unknown. Affected: yes. Study: VeluxRD. Not counted in ClinVar's aggregate classification.

Literature cited by the submitters: PubMed 30718709 (cited by Institute of Human Genetics, Univ. Regensburg, Univ. Regensburg and Department of Clinical Genetics, Copenhagen University Hospital, Rigshospitalet); PubMed 33353011 (cited by Institute of Human Genetics, Univ. Regensburg, Univ. Regensburg); PubMed 36819107 (cited by Institute of Human Genetics, Univ. Regensburg, Univ. Regensburg).